The following is an entry in ClinVar:

ClinVar aggregate classification (germline): Uncertain significance (1 of 4 stars; one submission).

Conditions:
GLUT1 deficiency syndrome 1, autosomal recessive. Identifiers: MedGen C3149117.

Submission:

Labcorp Genetics (formerly Invitae), Labcorp
Classification: Uncertain significance for GLUT1 deficiency syndrome 1, autosomal recessive. Last evaluated: 2026-01-06. Review status: criteria provided, single submitter. Criteria: Invitae Variant Classification Sherloc (09022015). Collection method: clinical testing. Allele origin: germline.
Comment: This sequence change replaces glutamic acid, which is acidic and polar, with glycine, which is neutral and non-polar, at codon 221 of the SLC2A1 protein (p.Glu221Gly). This variant is not present in population databases (gnomAD no frequency). This variant has not been reported in the literature in individuals affected with SLC2A1-related conditions. ClinVar contains an entry for this variant (Variation ID: 3633551). Invitae Evidence Modeling of protein sequence and biophysical properties (such as structural, functional, and spatial information, amino acid conservation, physicochemical variation, residue mobility, and thermodynamic stability) indicates that this missense variant is expected to disrupt SLC2A1 protein function with a positive predictive value of 95%. In summary, the available evidence is currently insufficient to determine the role of this variant in disease. Therefore, it has been classified as a Variant of Uncertain Significance.

NM_006516.4(SLC2A1):c.662A>G (p.Glu221Gly)

Gene: SLC2A1 (solute carrier family 2 member 1; minus strand). Cytogenetic location: 1p34.2.
Variant type: single nucleotide variant.
Coding change: c.662A>G on transcript NM_006516.4 (MANE Select); coding-DNA position 662, A replaced by G.
Protein change: p.Glu221Gly; replaces glutamic acid 221 with glycine.
Molecular consequence: missense variant.
Genome position (GRCh38, 1-based): chr1:42,929,890, T>C on the plus strand (A>G on the coding strand, the complement: SLC2A1 is on the minus strand). VCF-style: chr1-42929890-T-C. GRCh37 (hg19) VCF-style: chr1-43395561-T-C.
Other names: short protein forms E221G.
Identifiers: ClinVar variation 3633551 (VCV003633551.2).